The following is an entry in ClinVar:

NM_001875.5(CPS1):c.4442G>C (p.Arg1481Pro)

Gene: CPS1 (carbamoyl-phosphate synthase 1; plus strand). Cytogenetic location: 2q34.
Variant type: single nucleotide variant.
Coding change: c.4442G>C on transcript NM_001875.5 (MANE Select); coding-DNA position 4442, G replaced by C.
Protein change: p.Arg1481Pro; replaces arginine 1481 with proline.
Molecular consequence: missense variant. On other transcripts: non-coding transcript variant (2).
Genome position (GRCh38, 1-based): chr2:210,677,924, G>C. VCF-style: chr2-210677924-G-C. GRCh37 (hg19) VCF-style: chr2-211542648-G-C.
Other names: c.4442G>C, p.Arg1481Pro (NM_001122633.3, NM_001369257.1); c.4475G>C, p.Arg1492Pro (NM_001369256.1); short protein forms R1481P, R1492P.
Identifiers: ClinVar variation 2904933 (VCV002904933.2), dbSNP rs755060253, ClinGen allele CA2087304.

ClinVar aggregate classification (germline): Uncertain significance (1 of 4 stars; one submission).

Conditions:
Congenital hyperammonemia, type I. Also called: Carbamoyl-phosphate synthase I deficiency; CPS I DEFICIENCY; Carbamoyl phosphate synthetase I deficiency disease; Carbamoyl phosphate synthetase 1 deficiency; Hyperammonemia due to carbamoyl phosphate synthetase 1 deficiency; CPS 1 deficiency. Identifiers: Orphanet 147, MedGen C4082171, MONDO:0009376, OMIM 237300.

Allele frequency attached by ClinVar (database versions not stated): TOPMed 0.00001.
gnomAD v4.1: 13 of 1,613,886 alleles (0.00081%); highest among the groups gnomAD compares: Admixed American, 0.0017%; no homozygotes.

Submission:

Labcorp Genetics (formerly Invitae), Labcorp
Classification: Uncertain significance for Congenital hyperammonemia, type I. Last evaluated: 2023-09-26. Review status: criteria provided, single submitter. Criteria: Invitae Variant Classification Sherloc (09022015). Collection method: clinical testing. Allele origin: germline.
Comment: This variant has not been reported in the literature in individuals affected with CPS1-related conditions. This sequence change replaces arginine, which is basic and polar, with proline, which is neutral and non-polar, at codon 1481 of the CPS1 protein (p.Arg1481Pro). This variant is present in population databases (rs755060253, gnomAD 0.004%). Advanced modeling of protein sequence and biophysical properties (such as structural, functional, and spatial information, amino acid conservation, physicochemical variation, residue mobility, and thermodynamic stability) performed at Invitae indicates that this missense variant is not expected to disrupt CPS1 protein function. In summary, the available evidence is currently insufficient to determine the role of this variant in disease. Therefore, it has been classified as a Variant of Uncertain Significance.